The following is an entry in ClinVar:

NM_001148.6(ANK2):c.9928C>T (p.Pro3310Ser)

Gene: ANK2 (ankyrin 2; plus strand). Cytogenetic location: 4q26.
Variant type: single nucleotide variant.
Coding change: c.9928C>T on transcript NM_001148.6 (MANE Select); coding-DNA position 9928, C replaced by T.
Protein change: p.Pro3310Ser; replaces proline 3310 with serine.
Molecular consequence: missense variant. On other transcripts: intron variant (68).
Genome position (GRCh38, 1-based): chr4:113,358,546, C>T. VCF-style: chr4-113358546-C-T. GRCh37 (hg19) VCF-style: chr4-114279702-C-T.
Other names: c.9694C>T, p.Pro3232Ser (NM_001386142.1); c.6328C>T, p.Pro2110Ser (NM_001386166.1); c.10069C>T, p.Pro3357Ser (NM_001386174.1); c.10045C>T, p.Pro3349Ser (NM_001386175.1); c.4412-2277C>T (NM_001386186.2, NM_001386148.2); c.4214-2277C>T (NM_001354269.3); c.4292-2277C>T (NM_001386187.2); c.4253-2277C>T (NM_001386147.1); and 35 more; short protein forms P2110S, P3232S, P3357S, P3310S, P3349S.
Identifiers: ClinVar variation 1373271 (VCV001373271.6), dbSNP rs2154030076, ClinGen allele CA357939307.
Genomic context (GRCh38, chr4:113,358,546, plus strand): 5'-GCACCCATGGAGAATGTGCCTTTTACTGAAAGCAAATCCAAAATTCCTGTAAGGACTATG[C>T]CCACTTCCACCCCAGCACCTCCATCTGCAGAGTATGAGAGTTCAGTTTCTGAAGATTTTC-3'
Protein context (NP_001139.3, residues 3300-3320): SKSKIPVRTM[Pro3310Ser]TSTPAPPSAE

ClinVar aggregate classification (germline): Uncertain significance (1 of 4 stars; one submission).

Conditions:
Long QT syndrome (LQTS). Identifiers: MedGen C0023976, MeSH D008133, MONDO:0002442. Disease mechanism: loss of function. Inheritance: Various modes of inheritance.

Submission:

Labcorp Genetics (formerly Invitae), Labcorp
Classification: Uncertain significance for Long QT syndrome. Last evaluated: 2021-08-07. Review status: criteria provided, single submitter. Criteria: Invitae Variant Classification Sherloc (09022015). Collection method: clinical testing. Allele origin: germline.
Comment: This variant is not present in population databases (ExAC no frequency). This sequence change replaces proline with serine at codon 3310 of the ANK2 protein (p.Pro3310Ser). The proline residue is weakly conserved and there is a moderate physicochemical difference between proline and serine. This variant has not been reported in the literature in individuals affected with ANK2-related conditions. In summary, the available evidence is currently insufficient to determine the role of this variant in disease. Therefore, it has been classified as a Variant of Uncertain Significance. Algorithms developed to predict the effect of missense changes on protein structure and function output the following: SIFT: "Tolerated"; PolyPhen-2: "Benign"; Align-GVGD: "Class C0". The serine amino acid residue is found in multiple mammalian species, which suggests that this missense change does not adversely affect protein function.